The following is an entry in ClinVar:

ClinVar aggregate classification (germline): Pathogenic (1 of 4 stars; one submission).

Conditions:
Hypertrophic cardiomyopathy. Also called: HYPERTROPHIC MYOCARDIOPATHY. Identifiers: Orphanet 217569, MedGen C0007194, MeSH D002312, MONDO:0005045, HP:0001639.

Submission:

Labcorp Genetics (formerly Invitae), Labcorp
Classification: Pathogenic for Hypertrophic cardiomyopathy. Last evaluated: 2023-12-09. Review status: criteria provided, single submitter. Criteria: Invitae Variant Classification Sherloc (09022015). Collection method: clinical testing. Allele origin: germline.
Comment: This variant is a gross deletion of the genomic region encompassing exon(s) 1-5 of the TNNI3 gene, which includes the initiator codon. This deletion extends beyond the assayed region for this gene and therefore may encompass additional genes. It is expected to result in an absent or disrupted protein product. Loss-of-function variants in TNNI3 are known to be pathogenic (PMID: 31568572, 34036930, 35838873). This variant has not been reported in the literature in individuals affected with TNNI3-related conditions. For these reasons, this variant has been classified as Pathogenic.

Literature cited by the submitters: PubMed 31568572; PubMed 34036930; PubMed 35838873.

NC_000019.9:g.(?_55667549)_(55668957_?)del

Gene: TNNI3 (troponin I3, cardiac type; minus strand). Cytogenetic location: 19q13.42.
Variant type: Deletion.
Identifiers: ClinVar variation 1449490 (VCV001449490.4).